The following is an entry in ClinVar:

ClinVar aggregate classification (germline): Benign (0 of 4 stars; one submission).

Conditions:
ZNF141-related disorder. Also called: ZNF141-related condition.

Allele frequency attached by ClinVar (database versions not stated): 1000 Genomes Project 0.43011; TOPMed 0.43323; 1000 Genomes Project 30x 0.43426; ExAC 0.48204.
gnomAD v4.1: 278,137 of 694,554 alleles (40%); highest among the groups gnomAD compares: African/African-American, 57%; 57,484 homozygotes.

Submission:

PreventionGenetics, part of Exact Sciences
Classification: Benign for ZNF141-related condition. Last evaluated: 2019-08-30. Review status: no assertion criteria provided. Collection method: clinical testing. Allele origin: germline.
Comment: This variant is classified as benign based on ACMG/AMP sequence variant interpretation guidelines (Richards et al. 2015 PMID: 25741868, with internal and published modifications).

NM_003441.4(ZNF141):c.*9237C>A

Gene: ZNF141 (zinc finger protein 141; plus strand). Cytogenetic location: 4p16.3.
Variant type: single nucleotide variant.
Coding change: c.*9237C>A on transcript NM_003441.4 (MANE Select); 9237 bases downstream of the stop codon, C replaced by A.
Molecular consequence: 3 prime UTR variant. On other transcripts: missense variant (1).
Genome position (GRCh38, 1-based): chr4:383,099, C>A. VCF-style: chr4-383099-C-A. GRCh37 (hg19) VCF-style: chr4-376888-C-A.
Other names: c.*9237C>A (NM_001348277.2); c.575C>A, p.Ser192Tyr (NM_001348278.2); short protein forms S192Y.
Identifiers: ClinVar variation 3059299 (VCV003059299.2), dbSNP rs6854214, ClinGen allele CA2791904.
Genomic context (GRCh38, chr4:383,099, plus strand): 5'-GTGCCAGTTTGGGGCCCAGGTTTAAAGGTCCTAAATGCTTCTGTTATCTTTTTCAGAATT[C>A]TTCCATCTCTATGACAACAAGCCCATTTTAGCTTTCTGGAGAATAGCATCTGAGAAAAGC-3'